The following is an entry in ClinVar:

ClinVar aggregate classification (germline): Conflicting classifications of pathogenicity. Review status: criteria provided, conflicting classifications (1 of 4 stars). 4 submissions from 4 submitters: Pathogenic (1); Likely pathogenic (2); Uncertain significance (1). Last evaluated 2025-03-13.

Conditions:
Hereditary cancer-predisposing syndrome. Also called: Hereditary neoplastic syndrome; Hereditary Cancer Syndrome; Tumor predisposition; Neoplastic Syndromes, Hereditary. Identifiers: Orphanet 140162, MedGen C0027672, MeSH D009386, MONDO:0015356.
Tuberous sclerosis 1 (TSC1). Identifiers: Orphanet 805, MedGen C1854465, MONDO:0008612, OMIM 191100.

Submissions (4):

Ambry Genetics
Classification: Likely pathogenic for Hereditary cancer-predisposing syndrome. Last evaluated: 2025-03-13. Review status: criteria provided, single submitter. Criteria: Ambry Variant Classification Scheme 2023. Collection method: clinical testing. Allele origin: germline.
Comment: The c.363+668G>T intronic variant results from a G to T substitution 668 nucleotides after coding exon 3 in the TSC1 gene. This nucleotide position is highly conserved in available vertebrate species. In silico splice site analysis predicts that this alteration may result in the creation or strengthening of a novel splice acceptor site. RNA studies have demonstrated that this alteration results in abnormal splicing in the set of samples tested (Ambry internal data). A different variant impacting the same nucleotide position (c.363+668G>A) has been shown to has been shown to result in aberrant splicing in multiple family members with features consistent with Tuberous sclerosis complex (Shoji T et al. PLoS One, 2019 Feb;14:e0212370). This same family was later described in a different study of Japanese families with TSC (Togi S et al. Int J Mol Sci, 2022 Sep;23), however in that publication, the variant was reported as c.363+668G>T, possibly in error since this finding was discordant from the original publication. Based on the majority of available evidence to date, this variant is likely to be pathogenic.

3billion
Classification: Likely pathogenic for Tuberous sclerosis 1. Last evaluated: 2024-07-24. Review status: criteria provided, single submitter. Criteria: ACMG Guidelines, 2015. Collection method: clinical testing. Allele origin: germline. Affected: yes.
Comment: The variant is not observed in the gnomAD v4.0.0 dataset. Predicted Consequence/Location: Intron variant Functional studies provide supporting evidence of the variant having a damaging effect on the gene or gene product (PMID: 30794603). In silico tools predict the variant to alter splicing and produce an abnormal transcript [SpliceAI: 0.66 (>=0.2, moderate evidence for spliceogenicity)]. The variant has been reported to co-segregate with the disease in at least 3 similarly affected relatives/individuals in the same family or similarly affected unrelated families (PMID: 30794603). The variant has been reported to be associated with TSC1 related disorder (ClinVar ID: VCV001700637 /PMID: 36232477). Therefore, this variant is classified as Likely pathogenic according to the recommendation of ACMG/AMP guideline.

Blueprint Genetics
Classification: Uncertain significance. Last evaluated: 2024-05-24. Review status: criteria provided, single submitter. Criteria: ACMG Guidelines, 2015. Collection method: clinical testing. Allele origin: germline.

Division of Genomic Medicine, Department of Advanced Medicine, Medical Research Institute, Kanazawa Medical University
Classification: Pathogenic for Tuberous sclerosis 1. Last evaluated: 2022-08-01. Review status: criteria provided, single submitter. Criteria: ACMG Guidelines, 2015. Collection method: clinical testing. Allele origin: germline. Affected: yes. Observed: 1 variant allele.
Comment: This one-base substitution create a new branch-point sequence and causes two different aberrant TSC1 splicing from one allele.

Literature cited by the submitters: PubMed 30794603 (cited by 3 submitters); PubMed 36232477 (cited by Ambry Genetics and 3billion).

NM_000368.5(TSC1):c.363+668G>T

Gene: TSC1 (TSC complex subunit 1; minus strand). Cytogenetic location: 9q34.13.
Variant type: single nucleotide variant.
Coding change: c.363+668G>T on transcript NM_000368.5 (MANE Select); 668 bases into the intron after coding-DNA position 363, G replaced by T.
Molecular consequence: intron variant.
Genome position (GRCh38, 1-based): chr9:132,924,919, C>A on the plus strand (G>T on the coding strand, the complement: TSC1 is on the minus strand). VCF-style: chr9-132924919-C-A. GRCh37 (hg19) VCF-style: chr9-135800306-C-A.
Other names: c.-1+668G>T (NM_001362177.2); c.211-1427G>T (NM_001162427.2); c.363+668G>T (NM_001162426.2, NM_000368.4).
Identifiers: ClinVar variation 1700637 (VCV001700637.5), dbSNP rs2132219029, ClinGen allele CA2580080071.